The following is an entry in ClinVar:

NM_018979.4(WNK1):c.7038G>C (p.Gln2346His)

Gene: WNK1 (WNK lysine deficient protein kinase 1; plus strand). Cytogenetic location: 12p13.33.
Variant type: single nucleotide variant.
Coding change: c.7038G>C on transcript NM_018979.4 (MANE Select); coding-DNA position 7038, G replaced by C.
Protein change: p.Gln2346His; replaces glutamine 2346 with histidine.
Molecular consequence: missense variant.
Genome position (GRCh38, 1-based): chr12:908,681, G>C. VCF-style: chr12-908681-G-C. GRCh37 (hg19) VCF-style: chr12-1017847-G-C.
Other names: c.7818G>C, p.Gln2606His (NM_001184985.2); c.6294G>C, p.Gln2098His (NM_014823.3); c.7794G>C, p.Gln2598His (NM_213655.5); short protein forms Q2346H, Q2598H, Q2606H, Q2098H.
Identifiers: ClinVar variation 2926122 (VCV002926122.3), dbSNP rs1026240438, ClinGen allele CA231498222.

ClinVar aggregate classification (germline): Uncertain significance (1 of 4 stars; one submission).

Conditions:
Neuropathy, hereditary sensory and autonomic, type 2A (HSAN2A). Also called: HSAN IIA; WNK1-Related HSAN2 (HSAN2A); ACROOSTEOLYSIS, GIACCAI TYPE; ACROOSTEOLYSIS, NEUROGENIC; MORVAN DISEASE; NEUROPATHY, CONGENITAL SENSORY. Identifiers: Orphanet 970, MedGen C2752089, MONDO:0024309, OMIM 201300.
Pseudohypoaldosteronism type 2C (PHA2C). Also called: Pseudohypoaldosteronism Type IIC. Identifiers: Orphanet 757, Orphanet 88940, MedGen C1840391, MONDO:0013778, OMIM 614492.

Submission:

Labcorp Genetics (formerly Invitae), Labcorp
Classification: Uncertain significance for Neuropathy, hereditary sensory and autonomic, type 2A; Pseudohypoaldosteronism type 2C. Last evaluated: 2024-01-30. Review status: criteria provided, single submitter. Criteria: Invitae Variant Classification Sherloc (09022015). Collection method: clinical testing. Allele origin: germline.
Comment: This sequence change replaces glutamine, which is neutral and polar, with histidine, which is basic and polar, at codon 2598 of the WNK1 protein (p.Gln2598His). This variant is not present in population databases (gnomAD no frequency). This variant has not been reported in the literature in individuals affected with WNK1-related conditions. Advanced modeling of protein sequence and biophysical properties (such as structural, functional, and spatial information, amino acid conservation, physicochemical variation, residue mobility, and thermodynamic stability) performed at Invitae indicates that this missense variant is not expected to disrupt WNK1 protein function with a negative predictive value of 95%. In summary, the available evidence is currently insufficient to determine the role of this variant in disease. Therefore, it has been classified as a Variant of Uncertain Significance.